The following is an entry in ClinVar:

ClinVar aggregate classification (germline): Pathogenic. Review status: criteria provided, multiple submitters, no conflicts (2 of 4 stars). 2 submissions from 2 submitters: Pathogenic (2). Last evaluated 2025-10-01.

Submissions (2):

CeGaT Center for Human Genetics Tuebingen
Classification: Pathogenic. Last evaluated: 2025-10-01. Review status: criteria provided, single submitter. Criteria: CeGaT Center For Human Genetics Tuebingen Variant Classification Criteria Version 2. Collection method: clinical testing. Allele origin: germline. Affected: yes. Observed: 1 variant allele.
Comment: ZMYM2: PVS1, PM2

GeneDx
Classification: Pathogenic. Last evaluated: 2025-03-11. Review status: criteria provided, single submitter. Criteria: GeneDx Variant Classification Process June 2021. Collection method: clinical testing. Allele origin: germline. Affected: yes.
Comment: Nonsense variant predicted to result in protein truncation or nonsense mediated decay in a gene for which loss of function is a known mechanism of disease; Not observed at significant frequency in large population cohorts (gnomAD); This variant is associated with the following publications: (PMID: 39596641)

NM_197968.4(ZMYM2):c.1546C>T (p.Arg516Ter)

Gene: ZMYM2 (zinc finger MYM-type containing 2; plus strand). Cytogenetic location: 13q12.11.
Variant type: single nucleotide variant.
Coding change: c.1546C>T on transcript NM_197968.4 (MANE Select); coding-DNA position 1546, C replaced by T.
Protein change: p.Arg516Ter; replaces arginine 516 with a stop codon.
Molecular consequence: nonsense. On other transcripts: non-coding transcript variant (1).
Genome position (GRCh38, 1-based): chr13:20,019,580, C>T. VCF-style: chr13-20019580-C-T. GRCh37 (hg19) VCF-style: chr13-20593720-C-T.
Other names: c.1546C>T, p.Arg516Ter (NM_003453.6, NM_001190964.4, NM_001190965.4 and 5 more transcripts); c.1351C>T, p.Arg451Ter (NM_001353161.3); c.1285C>T, p.Arg429Ter (NM_001353163.2); short protein forms R429*, R451*, R516*.
Identifiers: ClinVar variation 4083290 (VCV004083290.7).